The following is an entry in ClinVar:

NM_001943.5(DSG2):c.424C>A (p.Pro142Thr)

Gene: DSG2 (desmoglein 2; plus strand). Cytogenetic location: 18q12.1.
Variant type: single nucleotide variant.
Coding change: c.424C>A on transcript NM_001943.5 (MANE Select); coding-DNA position 424, C replaced by A.
Protein change: p.Pro142Thr; replaces proline 142 with threonine.
Molecular consequence: missense variant.
Genome position (GRCh38, 1-based): chr18:31,521,144, C>A. VCF-style: chr18-31521144-C-A. GRCh37 (hg19) VCF-style: chr18-29101107-C-A.
Other names: c.424C>A (LRG_397t1); short protein forms P142T.
Identifiers: ClinVar variation 618608 (VCV000618608.22), dbSNP rs1005230453, ClinGen allele CA297729268.
Genomic context (GRCh38, chr18:31,521,144, plus strand): 5'-ATGTCATGATTTCAGCTAACAGGTTACGCTTTGGATGCAAGAGGAAACAATGTAGAGAAA[C>A]CCTTAGAGCTACGCATTAAGGTTCTTGATATCAATGACAACGAACCAGTGTTCACACAGG-3'
Protein context (NP_001934.2, residues 132-152): LDARGNNVEK[Pro142Thr]LELRIKVLDI

ClinVar aggregate classification (germline): Uncertain significance. Review status: criteria provided, multiple submitters, no conflicts (2 of 4 stars). 5 submissions from 5 submitters: Uncertain significance (5). Last evaluated 2024-12-03.

Conditions:
Cardiomyopathy (CMYO). Also called: Cardiomyopathies. Identifiers: Orphanet 167848, MedGen C0878544, MONDO:0004994, HP:0001638. Inheritance: Various modes of inheritance.
Arrhythmogenic right ventricular dysplasia 10. Also called: Arrhythmogenic Right Ventricular Dysplasia/Cardiomyopathy10; Arrhythmogenic right ventricular dysplasia/cardiomyopathy, type 10; ARRHYTHMOGENIC RIGHT VENTRICULAR DYSPLASIA, FAMILIAL, 10. Identifiers: MedGen C1857777, MONDO:0012434, OMIM 610193.
Arrhythmogenic right ventricular cardiomyopathy (ARVD). Also called: Cardiomyopathy, ARVC; Arrhythmogenic right ventricular dysplasia; Arrhythmogenic Right Ventricular Cardiomyopathy (ARVC); Arrhythmogenic cardiomyopathy. Identifiers: Orphanet 247, MedGen C0349788, MeSH D019571, MONDO:0016587. Disease mechanism: loss of function. Inheritance: Various modes of inheritance.

Allele frequency attached by ClinVar (database versions not stated): gnomAD exomes below 0.00001 and 0.00001.
gnomAD v4.1: 14 of 1,613,834 alleles (0.00087%); highest among the groups gnomAD compares: Admixed American, 0.0033%; no homozygotes.

Submissions (5):

Labcorp Genetics (formerly Invitae), Labcorp
Classification: Uncertain significance for Arrhythmogenic right ventricular dysplasia 10. Last evaluated: 2024-12-03. Review status: criteria provided, single submitter. Criteria: Invitae Variant Classification Sherloc (09022015). Collection method: clinical testing. Allele origin: germline.
Comment: This sequence change replaces proline, which is neutral and non-polar, with threonine, which is neutral and polar, at codon 142 of the DSG2 protein (p.Pro142Thr). This variant is present in population databases (no rsID available, gnomAD 0.003%). This missense change has been observed in individual(s) with arrhythmogenic right ventricular cardiomyopathy (internal data). ClinVar contains an entry for this variant (Variation ID: 618608). Invitae Evidence Modeling of protein sequence and biophysical properties (such as structural, functional, and spatial information, amino acid conservation, physicochemical variation, residue mobility, and thermodynamic stability) has been performed for this missense variant. However, the output from this modeling did not meet the statistical confidence thresholds required to predict the impact of this variant on DSG2 protein function. In summary, the available evidence is currently insufficient to determine the role of this variant in disease. Therefore, it has been classified as a Variant of Uncertain Significance.

All of Us Research Program, National Institutes of Health
Classification: Uncertain significance for Arrhythmogenic right ventricular cardiomyopathy. Last evaluated: 2024-05-13. Review status: criteria provided, single submitter. Criteria: ACMG Guidelines, 2015. Collection method: clinical testing. Allele origin: germline. Inheritance: Autosomal dominant inheritance. Observed: 3 variant alleles, 3 heterozygotes.
Comment: This missense variant replaces proline with threonine at codon 142 of the DSG2 protein. Computational prediction is inconclusive regarding the impact of this variant on protein structure and function (internally defined REVEL score threshold 0.5 < inconclusive < 0.7, PMID: 27666373). To our knowledge, functional studies have not been reported for this variant. This variant has not been reported in individuals affected with cardiovascular disorders in the literature. This variant has been identified in 1/249318 chromosomes in the general population by the Genome Aggregation Database (gnomAD). The available evidence is insufficient to determine the role of this variant in disease conclusively. Therefore, this variant is classified as a Variant of Uncertain Significance.

This study involves interpretation of variants in research participants for the purpose of population health screening. Participant phenotype was not available at the time of variant classification. Additional details can be found in publication PMID: 35346344, PMCID: PMC8962531

Color Diagnostics, LLC DBA Color Health
Classification: Uncertain significance for Cardiomyopathy. Last evaluated: 2024-02-07. Review status: criteria provided, single submitter. Criteria: ACMG Guidelines, 2015. Collection method: clinical testing. Allele origin: germline.
Comment: This missense variant replaces proline with threonine at codon 142 of the DSG2 protein. Computational prediction is inconclusive regarding the impact of this variant on protein structure and function (internally defined REVEL score threshold 0.5 < inconclusive < 0.7, PMID: 27666373). To our knowledge, functional studies have not been reported for this variant. This variant has not been reported in individuals affected with cardiovascular disorders in the literature. This variant has been identified in 1/249318 chromosomes in the general population by the Genome Aggregation Database (gnomAD). The available evidence is insufficient to determine the role of this variant in disease conclusively. Therefore, this variant is classified as a Variant of Uncertain Significance.

Blueprint Genetics
Classification: Uncertain significance. Last evaluated: 2023-10-05. Review status: criteria provided, single submitter. Criteria: ACMG Guidelines, 2015. Collection method: clinical testing. Allele origin: germline.

ARUP Laboratories, Molecular Genetics and Genomics, ARUP Laboratories
Classification: Uncertain significance. Last evaluated: 2018-03-20. Review status: criteria provided, single submitter. Criteria: ARUP Molecular Germline Variant Investigation Process. Collection method: clinical testing. Allele origin: germline.
Comment: The DSG2 c.424C>A; p.Pro142Thr variant (rs1005230453), to our knowledge, is not reported in the medical literature, gene specific variation databases, nor has it been previously identified by our laboratory. This variant is listed in the genome Aggregation Database (gnomAD) with an overall population frequency of 0.0004% (identified on 1 out of 245,956 chromosomes). The proline at position 142 is highly conserved, considering 12 species, and computational analyses of the effects of the p.Pro142Thr variant on protein structure and function predict a deleterious effect (SIFT: damaging, PolyPhen-2: probably damaging). Based on the available information, the clinical significance of the p.Pro142Thr variant cannot be determined with certainty.